The following continues an entry in ClinVar:

NM_001130438.3(SPTAN1):c.55C>T (p.Arg19Trp)

Gene: SPTAN1. ClinVar aggregate classification (germline): Conflicting classifications of pathogenicity. Pathogenic (12); Likely pathogenic (1); Uncertain significance (1).

Submissions 9 to 16 of 16:

Institute of Human Genetics, University of Leipzig Medical Center
Classification: Pathogenic for Spastic paraplegia 91, autosomal dominant, with or without cerebellar ataxia. Last evaluated: 2023-12-22. Review status: criteria provided, single submitter. Criteria: ACMG Guidelines, 2015. Collection method: clinical testing. Allele origin: unknown. Inheritance: Autosomal dominant inheritance. Affected: yes.
Comment: Criteria applied: PS4,PS2_MOD,PS3_SUP,PM2_SUP,PP1,PP2

Department of Human Genetics, Hannover Medical School
Classification: Likely pathogenic for Spastic paraplegia 91, autosomal dominant, with or without cerebellar ataxia. Last evaluated: 2023-11-06. Review status: criteria provided, single submitter. Criteria: ACMG Guidelines, 2015. Collection method: clinical testing. Allele origin: germline. Affected: yes.

Laboratory of Medical Genetics, National & Kapodistrian University of Athens
Classification: Pathogenic for Spastic paraplegia 91, autosomal dominant, with or without cerebellar ataxia. Last evaluated: 2023-11-02. Review status: criteria provided, single submitter. Criteria: ACMG Guidelines, 2015. Collection method: clinical testing. Allele origin: germline. Affected: yes.
Comment: PS4, PM2, PP2, PP5 - The variant has been reported in ClinVar as Pathogenic by other laboratories (Variation ID 427111). This variant has been previously reported as causative for epileptic encephalopathy, spasticp araplegia and ataxia. (PMID:36331550, 35150594).

Neurometabolic Diseases Laboratory, Bellvitge Biomedical Research Institute (IDIBELL)
Classification: Pathogenic for SPTAN1-related disorders. Last evaluated: 2023-04-27. Review status: criteria provided, single submitter. Criteria: ACMG Guidelines, 2015. Collection method: research. Allele origin: germline. Affected: yes.

CeGaT Center for Human Genetics Tuebingen
Classification: Uncertain significance. Last evaluated: 2021-11-01. Review status: criteria provided, single submitter. Criteria: CeGaT Center For Human Genetics Tuebingen Variant Classification Criteria Version 2. Collection method: clinical testing. Allele origin: germline. Affected: yes. Observed: 1 variant allele.

Clinical Biomedical Laboratory, Shriners Hospital For Children - Canada
Classification: Pathogenic for Neuronopathy, distal hereditary motor, autosomal dominant 11. Review status: criteria provided, single submitter. Criteria: ACMG Guidelines, 2015. Collection method: clinical testing. Allele origin: germline. Affected: yes.
Comment: This variant is predicted to substitute an arginine residue by a tryptophan residue in SPTAN1. This variant is absent in the Genome Aggregation Database (gnomAD v2.1.1), indicating it is very rare. Computational tools (REVEL: 0.33) suggest that the amino acid change has an uncertain effects on protein function. The gene is associated with autosomal dominant hereditary motor neuronopathy 11, which corresponds to the clinical diagnosis of the proband. The variant has been published as a cause of neuronopathy, supported by in vitro studies (PMID 36331550). Based on the ACMG variant interpretation guidelines (criteria: PP1, PS2, PM2, PP2), the available evidence supports classification of this variant as pathogenic.

OMIM
Classification: Pathogenic for SPASTIC PARAPLEGIA 91, AUTOSOMAL DOMINANT, WITH OR WITHOUT CEREBELLAR ATAXIA. Last evaluated: 2026-06-16. Review status: no assertion criteria provided. Collection method: literature only. Allele origin: germline. Not counted in ClinVar's aggregate classification.

PreventionGenetics, part of Exact Sciences
Classification: Pathogenic for SPTAN1-related condition. Last evaluated: 2024-07-12. Review status: no assertion criteria provided. Collection method: clinical testing. Allele origin: germline. Not counted in ClinVar's aggregate classification.
Comment: The SPTAN1 c.55C>T variant is predicted to result in the amino acid substitution p.Arg19Trp. This variant has been reported to be de novo and to segregate with disease in multiple individuals and families with spastic paraplegia (Van de Vondel et al. 2022. PubMed ID: 35150594; Table S1, Kaplanis et al. 2020. PubMed ID: 33057194; Supplemental Data 3, Zhou et al. 2022. PubMed ID: 35982159; Morsy et al. 2022. PubMed ID: 36331550). Functional studies suggest this variant disrupts protein function (Morsy et al. 2022. PubMed ID: 36331550). This variant has not been reported in a large population database, indicating this variant is rare. This variant is interpreted as pathogenic.

Literature cited by the submitters: PubMed 36331550 (cited by 4 submitters); PubMed 35150594 (cited by 5 submitters); PubMed 32811770 (cited by Victorian Clinical Genetics Services, Murdoch Childrens Research Institute); PubMed 31332438 (cited by Victorian Clinical Genetics Services, Murdoch Childrens Research Institute); PubMed 38168508 (cited by Ambry Genetics).